The following is an entry in ClinVar:

ClinVar aggregate classification (germline): Benign/Likely benign. Review status: criteria provided, multiple submitters, no conflicts (2 of 4 stars). 9 submissions from 9 submitters: Benign (4); Likely benign (5). Last evaluated 2026-02-03.

Conditions:
Hereditary cancer-predisposing syndrome. Also called: Neoplastic Syndromes, Hereditary; Hereditary Cancer Syndrome; Tumor predisposition; Hereditary neoplastic syndrome. Identifiers: Orphanet 140162, MedGen C0027672, MeSH D009386, MONDO:0015356.
Cardiovascular phenotype. Identifiers: MedGen CN230736.
Noonan syndrome and Noonan-related syndrome. Identifiers: Orphanet 98733, MedGen C5681679, MONDO:0020297.

Allele frequency attached by ClinVar (database versions not stated): gnomAD exomes 0.00032 and 0.00075; gnomAD 0.00360 and 0.00386; ESP Exome Variant Server 0.00361; 1000 Genomes Project 30x 0.00375; ExAC 0.00089; 1000 Genomes Project 0.00280; TOPMed 0.00396.
gnomAD v4.1: 1,042 of 1,613,486 alleles (0.065%); highest among the groups gnomAD compares: African/African-American, 1.3%; 6 homozygotes.

Submissions (9):

Labcorp Genetics (formerly Invitae), Labcorp
Classification: Benign. Last evaluated: 2026-02-03. Review status: criteria provided, single submitter. Criteria: Invitae Variant Classification Sherloc (09022015). Collection method: clinical testing. Allele origin: germline.

CeGaT Center for Human Genetics Tuebingen
Classification: Likely benign. Last evaluated: 2025-11-01. Review status: criteria provided, single submitter. Criteria: CeGaT Center For Human Genetics Tuebingen Variant Classification Criteria Version 2. Collection method: clinical testing. Allele origin: germline. Affected: yes. Observed: 7 variant alleles.
Comment: LZTR1: BP4, BP7, BS1

ARUP Laboratories, Molecular Genetics and Genomics, ARUP Laboratories
Classification: Benign. Last evaluated: 2024-12-26. Review status: criteria provided, single submitter. Criteria: ARUP Molecular Germline Variant Investigation Process 2024. Collection method: clinical testing. Allele origin: germline.

Blueprint Genetics
Classification: Likely benign. Last evaluated: 2024-11-27. Review status: criteria provided, single submitter. Criteria: ACMG Guidelines, 2015. Collection method: clinical testing. Allele origin: germline.

Genome Diagnostics Laboratory, The Hospital for Sick Children
Classification: Likely benign for Noonan syndrome and Noonan-related syndrome. Last evaluated: 2020-06-10. Review status: criteria provided, single submitter. Criteria: ACMG Guidelines, 2015. Collection method: clinical testing. Allele origin: germline.

Women's Health and Genetics/Laboratory Corporation of America, LabCorp
Classification: Benign. Last evaluated: 2019-11-16. Review status: criteria provided, single submitter. Criteria: LabCorp Variant Classification Summary - May 2015. Collection method: clinical testing. Allele origin: germline.

GeneDx
Classification: Benign. Last evaluated: 2019-08-22. Review status: criteria provided, single submitter. Criteria: GeneDx Variant Classification Process June 2021. Collection method: clinical testing. Allele origin: germline. Affected: yes.

Ambry Genetics
Classification: Likely benign for Cardiovascular phenotype; Hereditary cancer-predisposing syndrome. Last evaluated: 2019-02-01. Review status: criteria provided, single submitter. Criteria: Ambry Variant Classification Scheme 2023. Collection method: clinical testing. Allele origin: germline.

Breakthrough Genomics
Classification: Likely benign. Review status: criteria provided, single submitter. Criteria: ACMG Guidelines, 2015. Collection method: not provided. Allele origin: germline. Inheritance: Autosomal recessive inheritance. Affected: yes.

NM_006767.4(LZTR1):c.2007C>T (p.Ile669=)

Gene: LZTR1 (leucine zipper like post translational regulator 1; plus strand). Cytogenetic location: 22q11.21.
Variant type: single nucleotide variant.
Coding change: c.2007C>T on transcript NM_006767.4 (MANE Select); coding-DNA position 2007, C replaced by T.
Protein change: p.Ile669=; no amino-acid change (isoleucine 669 retained).
Molecular consequence: synonymous variant.
Genome position (GRCh38, 1-based): chr22:20,995,810, C>T. VCF-style: chr22-20995810-C-T. GRCh37 (hg19) VCF-style: chr22-21350099-C-T.
Identifiers: ClinVar variation 512517 (VCV000512517.46), dbSNP rs138664443, ClinGen allele CA10119196.